The following is an entry in ClinVar:

ClinVar aggregate classification (germline): Uncertain significance (1 of 4 stars; one submission).

Allele frequency attached by ClinVar (database versions not stated): gnomAD exomes below 0.00001; TOPMed below 0.00001.
gnomAD v4.1: 1 of 1,551,086 alleles (0.000064%); highest among the groups gnomAD compares: Admixed American, 0.002%; no homozygotes.

Submission:

Labcorp Genetics (formerly Invitae), Labcorp
Classification: Uncertain significance. Last evaluated: 2022-08-20. Review status: criteria provided, single submitter. Criteria: Invitae Variant Classification Sherloc (09022015). Collection method: clinical testing. Allele origin: germline.
Comment: Algorithms developed to predict the effect of missense changes on protein structure and function output the following: SIFT: "Deleterious"; PolyPhen-2: "Possibly Damaging"; Align-GVGD: "Class C0". The threonine amino acid residue is found in multiple mammalian species, which suggests that this missense change does not adversely affect protein function. In summary, the available evidence is currently insufficient to determine the role of this variant in disease. Therefore, it has been classified as a Variant of Uncertain Significance. This variant has not been reported in the literature in individuals affected with EYS-related conditions. This variant is not present in population databases (gnomAD no frequency). This sequence change replaces proline, which is neutral and non-polar, with threonine, which is neutral and polar, at codon 3072 of the EYS protein (p.Pro3072Thr).

NM_001142800.2(EYS):c.9214C>A (p.Pro3072Thr)

Genes: EYS (EGF-like photoreceptor maintenance factor; minus strand), PHF3 (PHD finger protein 3; plus strand). Cytogenetic location: 6q12.
Variant type: single nucleotide variant.
Coding change: c.9214C>A on transcript NM_001142800.2 (MANE Select); coding-DNA position 9214, C replaced by A.
Protein change: p.Pro3072Thr; replaces proline 3072 with threonine.
Molecular consequence: missense variant. On other transcripts: 3 prime UTR variant (5).
Genome position (GRCh38, 1-based): chr6:63,720,817, G>T on the plus strand (C>A on the coding strand, the complement: EYS is on the minus strand). VCF-style: chr6-63720817-G-T. GRCh37 (hg19) VCF-style: chr6-64430713-G-T.
Other names: c.9277C>A, p.Pro3093Thr (NM_001292009.2); c.*7109G>T (NM_001290259.2, NM_001370348.2, NM_001370349.2 and 2 more transcripts); short protein forms P3072T, P3093T.
Identifiers: ClinVar variation 1957540 (VCV001957540.5), dbSNP rs1561993439, ClinGen allele CA364382994.